The following is an entry in ClinVar:

ClinVar aggregate classification (germline): Conflicting classifications of pathogenicity. Review status: criteria provided, conflicting classifications (1 of 4 stars). 4 submissions from 4 submitters: Uncertain significance (1); Likely benign (2). 1 of the submissions does not count toward it. Last evaluated 2024-06-21.

Conditions:
Inborn genetic diseases. Identifiers: MedGen C0950123, MeSH D030342.
HUWE1-related disorder. Also called: HUWE1-related condition.

Submissions (4):

Labcorp Genetics (formerly Invitae), Labcorp
Classification: Uncertain significance. Last evaluated: 2024-06-21. Review status: criteria provided, single submitter. Criteria: Invitae Variant Classification Sherloc (09022015). Collection method: clinical testing. Allele origin: germline.
Comment: This variant, c.10485_10487del, results in the deletion of 1 amino acid(s) of the HUWE1 protein (p.Thr3496del), but otherwise preserves the integrity of the reading frame. The frequency data for this variant in the population databases is considered unreliable, as metrics indicate poor data quality at this position in the gnomAD database. This variant has not been reported in the literature in individuals affected with HUWE1-related conditions. Experimental studies and prediction algorithms are not available or were not evaluated, and the functional significance of this variant is currently unknown. In summary, the available evidence is currently insufficient to determine the role of this variant in disease. Therefore, it has been classified as a Variant of Uncertain Significance.

CeGaT Center for Human Genetics Tuebingen
Classification: Likely benign. Last evaluated: 2023-03-01. Review status: criteria provided, single submitter. Criteria: CeGaT Center For Human Genetics Tuebingen Variant Classification Criteria Version 2. Collection method: clinical testing. Allele origin: germline. Affected: yes. Observed: 1 variant allele.
Comment: HUWE1: BS2

Ambry Genetics
Classification: Likely benign for Inborn genetic diseases. Last evaluated: 2018-03-06. Review status: criteria provided, single submitter. Criteria: Ambry Variant Classification Scheme 2023. Collection method: clinical testing. Allele origin: germline.

PreventionGenetics, part of Exact Sciences
Classification: Likely benign for HUWE1-related condition. Last evaluated: 2019-06-17. Review status: no assertion criteria provided. Collection method: clinical testing. Allele origin: germline. Not counted in ClinVar's aggregate classification.
Comment: This variant is classified as likely benign based on ACMG/AMP sequence variant interpretation guidelines (Richards et al. 2015 PMID: 25741868, with internal and published modifications).

NM_031407.7(HUWE1):c.10476CAC[3] (p.Thr3496del)

Gene: HUWE1 (HECT, UBA and WWE domain containing E3 ubiquitin protein ligase 1; minus strand). Cytogenetic location: Xp11.22.
Variant type: Microsatellite.
Coding change: c.10476CAC[3] on transcript NM_031407.7 (MANE Select); three copies in a row of the 3-base unit CAC starting at c.10476; the reference has four copies in a row; one copy, 3 bases deleted.
Protein change: p.Thr3496del; deletes threonine 3496.
Molecular consequence: inframe deletion.
Genome position (GRCh38, 1-based): chrX:53,547,822-53,547,824, GTG deleted on the plus strand (CAC on the coding strand, the reverse complement: HUWE1 is on the minus strand); deleting any 3 consecutive bases within chrX:53,547,822-53,547,835 gives the same sequence; the position shown is the placement nearest the transcript's 3' end. VCF-style (leftmost placement, unchanged base first): chrX-53547821-AGTG-A. GRCh37 (hg19) VCF-style: chrX-53574782-AGTG-A.
Other names: c.10485_10487delCAC (NM_031407.6); short protein forms T3496del.
Identifiers: ClinVar variation 1775921 (VCV001775921.32), dbSNP rs782446150, ClinGen allele CA10421540.